The following is an entry in ClinVar:

ClinVar aggregate classification (germline): Pathogenic (1 of 4 stars; one submission).

Submission:

Labcorp Genetics (formerly Invitae), Labcorp
Classification: Pathogenic. Last evaluated: 2021-06-28. Review status: criteria provided, single submitter. Criteria: Invitae Variant Classification Sherloc (09022015). Collection method: clinical testing. Allele origin: germline.
Comment: For these reasons, this variant has been classified as Pathogenic. This variant disrupts the triple helix domain of COL4A5. Glycine residues within the Gly-Xaa-Yaa repeats of the triple helix domain are required for the structure and stability of fibrillar collagens (PMID: 7695699, 8218237, 19344236). In COL4A5, missense variants at these glycine residues are significantly enriched in individuals with disease (PMID: 23720012, 27627812) compared to the general population (ExAC). Algorithms developed to predict the effect of sequence changes on RNA splicing suggest that this variant may create or strengthen a splice site, but this prediction has not been confirmed by published transcriptional studies. Advanced modeling of protein sequence and biophysical properties (such as structural, functional, and spatial information, amino acid conservation, physicochemical variation, residue mobility, and thermodynamic stability) performed at Invitae indicates that this missense variant is expected to disrupt COL4A5 protein function. This variant has been observed in individual(s) with clinical features of Alport syndrome (PMID: 20378821, Invitae). ClinVar contains an entry for this variant (Variation ID: 24258). This variant is not present in population databases (ExAC no frequency). This sequence change replaces glycine with arginine at codon 96 of the COL4A5 protein (p.Gly96Arg). The glycine residue is moderately conserved and there is a moderate physicochemical difference between glycine and arginine.

Literature cited by the submitters: PubMed 7695699; PubMed 8218237; PubMed 19344236; PubMed 23720012; PubMed 27627812; PubMed 20378821.

NM_033380.3(COL4A5):c.286G>A (p.Gly96Arg)

Gene: COL4A5 (collagen type IV alpha 5 chain; plus strand). Cytogenetic location: Xq22.3.
Variant type: single nucleotide variant.
Coding change: c.286G>A on transcript NM_033380.3 (MANE Select); coding-DNA position 286, G replaced by A.
Protein change: p.Gly96Arg; replaces glycine 96 with arginine.
Molecular consequence: missense variant.
Genome position (GRCh38, 1-based): chrX:108,568,638, G>A. VCF-style: chrX-108568638-G-A. GRCh37 (hg19) VCF-style: chrX-107811868-G-A.
Other names: c.286G>A, p.Gly96Arg (NM_000495.5); short protein forms G96R.
Identifiers: ClinVar variation 1458086 (VCV001458086.5), dbSNP rs281874706, ClinGen allele CA258221.